The following is an entry in ClinVar:

ClinVar aggregate classification (germline): Uncertain significance (1 of 4 stars; one submission).

Conditions:
Intellectual developmental disorder with dysmorphic facies and behavioral abnormalities. Identifiers: MedGen C4748135, MONDO:0060760, OMIM 618089.

gnomAD v4.1: 3 of 1,613,604 alleles (0.00019%); highest among the groups gnomAD compares: South Asian, 0.0011%; 1 homozygote.

Submission:

Neuberg Centre For Genomic Medicine, NCGM
Classification: Uncertain significance for Intellectual developmental disorder with dysmorphic facies and behavioral abnormalities. Last evaluated: 2024-02-01. Review status: criteria provided, single submitter. Criteria: ACMG Guidelines, 2015. Collection method: clinical testing. Allele origin: germline. Inheritance: Autosomal dominant inheritance. Affected: yes.
Comment: The missense variant c.763A>G (p.Ser255Gly) in the FBXO11 gene has not been reported previously as a pathogenic variant nor as a benign variant, to our knowledge. This variant is absent in the gnomAD Exomes. The amino acid Ser at position 255 is changed to a Gly changing protein sequence and it might alter its composition and physico-chemical properties. Computational evidence (Polyphen, SIFT and MutationTaster) predicts conflicting evidence on protein structure and function for this variant. The residue is conserved by GERP++ and PhyloP across 100 vertebrates. For these reasons, this variant has been classified as Uncertain Significance.

NM_001190274.2(FBXO11):c.763A>G (p.Ser255Gly)

Gene: FBXO11 (F-box protein 11; minus strand). Cytogenetic location: 2p16.3.
Variant type: single nucleotide variant.
Coding change: c.763A>G on transcript NM_001190274.2 (MANE Select); coding-DNA position 763, A replaced by G.
Protein change: p.Ser255Gly; replaces serine 255 with glycine.
Molecular consequence: missense variant.
Genome position (GRCh38, 1-based): chr2:47,834,826, T>C on the plus strand (A>G on the coding strand, the complement: FBXO11 is on the minus strand). VCF-style: chr2-47834826-T-C. GRCh37 (hg19) VCF-style: chr2-48061965-T-C.
Other names: c.511A>G, p.Ser171Gly (NM_001374325.1, NM_025133.4); short protein forms S171G, S255G.
Identifiers: ClinVar variation 3895498 (VCV003895498.1).